The following is an entry in ClinVar:

ClinVar aggregate classification (germline): Uncertain significance. Review status: criteria provided, multiple submitters, no conflicts (2 of 4 stars). 2 submissions from 2 submitters: Uncertain significance (2). Last evaluated 2024-08-29.

Conditions:
Autosomal recessive limb-girdle muscular dystrophy type 2A (LGMDR1). Also called: LEYDEN-MOEBIUS MUSCULAR DYSTROPHY; MUSCULAR DYSTROPHY, PELVOFEMORAL; Limb-girdle muscular dystrophy, type 2A; Calpainopathy; Muscular dystrophy, limb-girdle, type 2A, Amish. Identifiers: Orphanet 267, MedGen C1869123, MONDO:0009675, OMIM 253600. Disease mechanism: loss of function.

Submissions (2):

Labcorp Genetics (formerly Invitae), Labcorp
Classification: Uncertain significance for Autosomal recessive limb-girdle muscular dystrophy type 2A. Last evaluated: 2024-08-29. Review status: criteria provided, single submitter. Criteria: Invitae Variant Classification Sherloc (09022015). Collection method: clinical testing. Allele origin: germline.
Comment: This sequence change replaces threonine, which is neutral and polar, with proline, which is neutral and non-polar, at codon 232 of the CAPN3 protein (p.Thr232Pro). This variant is not present in population databases (gnomAD no frequency). This variant has not been reported in the literature in individuals affected with CAPN3-related conditions. ClinVar contains an entry for this variant (Variation ID: 290265). Invitae Evidence Modeling of protein sequence and biophysical properties (such as structural, functional, and spatial information, amino acid conservation, physicochemical variation, residue mobility, and thermodynamic stability) indicates that this missense variant is expected to disrupt CAPN3 protein function with a positive predictive value of 80%. In summary, the available evidence is currently insufficient to determine the role of this variant in disease. Therefore, it has been classified as a Variant of Uncertain Significance.

Eurofins Ntd Llc (ga)
Classification: Uncertain significance. Last evaluated: 2018-05-17. Review status: criteria provided, single submitter. Criteria: EGL ClinVar v180209 classification definitions. Collection method: clinical testing. Allele origin: germline. Observed: 2 variant alleles, 2 heterozygotes.

NM_000070.3(CAPN3):c.694A>C (p.Thr232Pro)

Gene: CAPN3 (calpain 3; plus strand). Cytogenetic location: 15q15.1.
Variant type: single nucleotide variant.
Coding change: c.694A>C on transcript NM_000070.3 (MANE Select); coding-DNA position 694, A replaced by C.
Protein change: p.Thr232Pro; replaces threonine 232 with proline.
Molecular consequence: missense variant.
Genome position (GRCh38, 1-based): chr15:42,388,989, A>C. VCF-style: chr15-42388989-A-C. GRCh37 (hg19) VCF-style: chr15-42681187-A-C.
Other names: c.694A>C, p.Thr232Pro (NM_024344.2, NM_173087.2); short protein forms T232P.
Identifiers: ClinVar variation 290265 (VCV000290265.13), dbSNP rs886044405, ClinGen allele CA10606714.